The following is an entry in ClinVar:

NM_004006.3(DMD):c.2929dup (p.Gln977fs)

Gene: DMD (dystrophin; minus strand). Cytogenetic location: Xp21.1.
Variant type: Duplication.
Coding change: c.2929dup on transcript NM_004006.3 (MANE Select); coding-DNA position 2929, one base duplicated (C; older notation c.2929dupC).
Protein change: p.Gln977fs; shifts the reading frame from glutamine 977.
Molecular consequence: frameshift variant.
Genome position (GRCh38, 1-based): chrX:32,472,184, G duplicated on the plus strand (C on the coding strand, the reverse complement: DMD is on the minus strand). VCF-style (leftmost placement, unchanged base first): chrX-32472183-T-TG. GRCh37 (hg19) VCF-style: chrX-32490300-T-TG.
Other names: c.2929dupC (NM_004006.2); c.2905dup, p.Gln969fs (NM_000109.4); c.2917dup, p.Gln973fs (NM_004009.3); c.2560dup, p.Gln854fs (NM_004010.3); short protein forms Q854fs, Q973fs, Q969fs, Q977fs.
Identifiers: ClinVar variation 4826897 (VCV004826897.1), dbSNP rs398123914.

ClinVar aggregate classification (germline): Pathogenic (1 of 4 stars; one submission).

Conditions:
Cardiovascular phenotype. Identifiers: MedGen CN230736.

Submission:

Ambry Genetics
Classification: Pathogenic for Cardiovascular phenotype. Last evaluated: 2026-01-23. Review status: criteria provided, single submitter. Criteria: Ambry Variant Classification Scheme 2023. Collection method: clinical testing. Allele origin: germline.
Comment: The c.2929dupC pathogenic mutation, located in coding exon 22 of the DMD gene, results from a duplication of C at nucleotide position 2929, causing a translational frameshift with a predicted alternate stop codon (p.Q977Pfs*37). This variant was reported in individual(s) with features consistent with DMD-related dystrophinopathy (Guo R et al. J Hum Genet, 2015 Aug;60:435-42; Ambry internal data). This variant is considered to be rare based on population cohorts in the Genome Aggregation Database (gnomAD). This alteration is expected to result in loss of function by premature protein truncation or nonsense-mediated mRNA decay. As such, this alteration is interpreted as a disease-causing mutation.

Literature cited by the submitters: PubMed 25972034.